The following is an entry in ClinVar:

NM_002878.4(RAD51D):c.167T>A (p.Val56Glu)

Genes: RAD51D (RAD51 paralog D; minus strand), RAD51L3-RFFL (RAD51L3-RFFL readthrough; minus strand). Cytogenetic location: 17q12.
Variant type: single nucleotide variant.
Coding change: c.167T>A on transcript NM_002878.4 (MANE Select); coding-DNA position 167, T replaced by A.
Protein change: p.Val56Glu; replaces valine 56 with glutamic acid.
Molecular consequence: missense variant. On other transcripts: intron variant (2).
Genome position (GRCh38, 1-based): chr17:35,118,597, A>T on the plus strand (T>A on the coding strand, the complement: RAD51D is on the minus strand). VCF-style: chr17-35118597-A-T. GRCh37 (hg19) VCF-style: chr17-33445616-A-T.
Other names: c.144+514T>A (NM_133629.3, NM_001142571.2); short protein forms V56E.
Identifiers: ClinVar variation 4862946 (VCV004862946.1).

ClinVar aggregate classification (germline): Uncertain significance (1 of 4 stars; one submission).

Conditions:
Hereditary cancer-predisposing syndrome. Also called: Neoplastic Syndromes, Hereditary; Tumor predisposition; Hereditary Cancer Syndrome; Hereditary neoplastic syndrome. Identifiers: Orphanet 140162, MedGen C0027672, MeSH D009386, MONDO:0015356.

Submission:

Ambry Genetics
Classification: Uncertain significance for Hereditary cancer-predisposing syndrome. Last evaluated: 2026-03-25. Review status: criteria provided, single submitter. Criteria: Ambry Variant Classification Scheme 2023. Collection method: clinical testing. Allele origin: germline.
Comment: The p.V56E variant (also known as c.167T>A), located in coding exon 3 of the RAD51D gene, results from a T to A substitution at nucleotide position 167. The valine at codon 56 is replaced by glutamic acid, an amino acid with dissimilar properties. This amino acid position is highly conserved in available vertebrate species. In addition, the in silico prediction for this alteration is inconclusive. Based on the available evidence, the clinical significance of this variant remains unclear.